The following is an entry in ClinVar:

Single allele

Genes: APBA2 (amyloid beta precursor protein binding family A member 2; plus strand), ATP10A (ATPase phospholipid transporting 10A (putative); minus strand), CYFIP1 (cytoplasmic FMR1 interacting protein 1; minus strand), ENTREP2 (endosomal transmembrane epsin interactor 2; minus strand), GABRA5 (gamma-aminobutyric acid type A receptor subunit alpha5; plus strand) and 29 more. Cytogenetic location: 15q11.2-13.1.
Variant type: Complex.
Identifiers: ClinVar variation 638670 (VCV000638670.2).

ClinVar aggregate classification (germline): Pathogenic (0 of 4 stars; one submission).

Conditions:
Seizure. Also called: Seizures. Identifiers: MedGen C0036572, HP:0001250.
Neurodevelopmental delay. Identifiers: MedGen C4022738, HP:0012758.
Esophageal atresia. Also called: Esophageal atresia (disease). Identifiers: MedGen C0014850, MeSH D004933, MONDO:0001044, HP:0002032.
Ventricular septal defect. Identifiers: MedGen C0018818, MONDO:0002070, HP:0001629.

Submission:

Clinical Genetics Research Group, Karolinska Institutet
Classification: Pathogenic for Esophageal atresia; Ventricular septal defect; Neurodevelopmental delay; Seizure. Last evaluated: 2019-05-01. Review status: no assertion criteria provided. Collection method: research. Allele origin: de novo. Affected: yes.
Comment: The complex aberration detected by oligo array in DNA from esophageal tissue has varying log2-ratios. The observed log2-ratios indicate triplication for a large part of the region between the 15q segmental duplications commonly referred to as BP2 and BP3 (the triplicated region reaching as far as the GABRG3 gene), followed by duplication of the region from GABRG3 to BP4. Chromosome anlaysis performed on cultured lymphocytes from peripheral blood revealed mosaicism for different cell lines with varying rearrangements of the additional chromosomal material: 46,XX,add(15)(p10)[12]/47,XX,15ps-,+mar[8]/46,XX,15ps-[2]. FISH analysis identified the extra material on 15p as comprising an additional 15 centromere, two additional copies of proximal 15q and one additional copy of 15p. The marker chromosome had one 15 centromere, two copies of proximal 15q and one copy of 15p. The two most abundant aberrant cell lines result in the same net gain of chromosome 15q-material, equaling partial tetrasomy 15 or inv dup(15) in 20/23 cells (87%). In the two cell populations that did not carry the add(15)p rearrangement, one of the chromosome 15 homologues lacked a p-arm (15ps-). The complex aberration occured together with a deletion on chromosom 15 of unclear clinical significance, chr15:100923767-101626187 (hg19).